The following is an entry in ClinVar:

ClinVar aggregate classification (germline): Likely benign. Review status: criteria provided, multiple submitters, no conflicts (2 of 4 stars). 2 submissions from 2 submitters: Likely benign (2). Last evaluated 2026-03-01.

Allele frequency attached by ClinVar (database versions not stated): ExAC 0.00001; TOPMed 0.00007; gnomAD 0.00013 and 0.00015.
gnomAD v4.1: 34 of 1,602,626 alleles (0.0021%); highest among the groups gnomAD compares: African/African-American, 0.039%; no homozygotes.

Submissions (2):

CeGaT Center for Human Genetics Tuebingen
Classification: Likely benign. Last evaluated: 2026-03-01. Review status: criteria provided, single submitter. Criteria: CeGaT Center For Human Genetics Tuebingen Variant Classification Criteria Version 2. Collection method: clinical testing. Allele origin: germline. Affected: yes. Observed: 1 variant allele.
Comment: MYO15A: BP4, BP7

Labcorp Genetics (formerly Invitae), Labcorp
Classification: Likely benign. Last evaluated: 2024-09-04. Review status: criteria provided, single submitter. Criteria: Invitae Variant Classification Sherloc (09022015). Collection method: clinical testing. Allele origin: germline.

NM_016239.4(MYO15A):c.2823C>T (p.Ser941=)

Gene: MYO15A (myosin XVA; plus strand). Cytogenetic location: 17p11.2.
Variant type: single nucleotide variant.
Coding change: c.2823C>T on transcript NM_016239.4 (MANE Select); coding-DNA position 2823, C replaced by T.
Protein change: p.Ser941=; no amino-acid change (serine 941 retained).
Molecular consequence: synonymous variant.
Genome position (GRCh38, 1-based): chr17:18,121,623, C>T. VCF-style: chr17-18121623-C-T. GRCh37 (hg19) VCF-style: chr17-18024937-C-T.
Identifiers: ClinVar variation 714728 (VCV000714728.10), dbSNP rs750070326, ClinGen allele CA8423312.